The following is an entry in ClinVar:

ClinVar aggregate classification (germline): Uncertain significance (1 of 4 stars; one submission).

Allele frequency attached by ClinVar (database versions not stated): gnomAD exomes below 0.00001.

Submission:

Labcorp Genetics (formerly Invitae), Labcorp
Classification: Uncertain significance. Last evaluated: 2022-01-18. Review status: criteria provided, single submitter. Criteria: Invitae Variant Classification Sherloc (09022015). Collection method: clinical testing. Allele origin: germline.
Comment: In summary, the available evidence is currently insufficient to determine the role of this variant in disease. Therefore, it has been classified as a Variant of Uncertain Significance. Algorithms developed to predict the effect of missense changes on protein structure and function are either unavailable or do not agree on the potential impact of this missense change (SIFT: "Tolerated"; PolyPhen-2: "Possibly Damaging"; Align-GVGD: "Class C0"). This variant has not been reported in the literature in individuals affected with SLC12A1-related conditions. This variant is not present in population databases (gnomAD no frequency). This sequence change replaces glutamic acid, which is acidic and polar, with glutamine, which is neutral and polar, at codon 794 of the SLC12A1 protein (p.Glu794Gln).

NM_000338.3(SLC12A1):c.2380G>C (p.Glu794Gln)

Gene: SLC12A1 (solute carrier family 12 member 1; plus strand). Cytogenetic location: 15q21.1.
Variant type: single nucleotide variant.
Coding change: c.2380G>C on transcript NM_000338.3 (MANE Select); coding-DNA position 2380, G replaced by C.
Protein change: p.Glu794Gln; replaces glutamic acid 794 with glutamine.
Molecular consequence: missense variant.
Genome position (GRCh38, 1-based): chr15:48,269,742, G>C. VCF-style: chr15-48269742-G-C. GRCh37 (hg19) VCF-style: chr15-48561939-G-C.
Other names: c.2380G>C, p.Glu794Gln (NM_001184832.2, NM_001384136.1); short protein forms E794Q.
Identifiers: ClinVar variation 2087778 (VCV002087778.4), dbSNP rs2505142284, ClinGen allele CA392315928.